The following is an entry in ClinVar:

NM_024597.4(MAP7D3):c.1004C>G (p.Thr335Arg)

Gene: MAP7D3 (MAP7 domain containing 3; minus strand). Cytogenetic location: Xq26.3.
Variant type: single nucleotide variant.
Coding change: c.1004C>G on transcript NM_024597.4 (MANE Select); coding-DNA position 1004, C replaced by G.
Protein change: p.Thr335Arg; replaces threonine 335 with arginine.
Molecular consequence: missense variant.
Genome position (GRCh38, 1-based): chrX:136,231,953, G>C on the plus strand (C>G on the coding strand, the complement: MAP7D3 is on the minus strand). VCF-style: chrX-136231953-G-C. GRCh37 (hg19) VCF-style: chrX-135314112-G-C.
Other names: c.950C>G, p.Thr317Arg (NM_001173516.1); c.899C>G, p.Thr300Arg (NM_001173517.2); short protein forms T300R, T317R, T335R.
Identifiers: ClinVar variation 2661503 (VCV002661503.24), dbSNP rs369779481, ClinGen allele CA10525593.

ClinVar aggregate classification (germline): Likely benign (1 of 4 stars; one submission).

Allele frequency attached by ClinVar (database versions not stated): 1000 Genomes Project 30x 0.00042.
gnomAD v4.1: 64 of 1,209,124 alleles (0.0053%); highest among the groups gnomAD compares: Middle Eastern, 0.3%; 1 homozygote.

Submission:

CeGaT Center for Human Genetics Tuebingen
Classification: Likely benign. Last evaluated: 2022-12-01. Review status: criteria provided, single submitter. Criteria: CeGaT Center For Human Genetics Tuebingen Variant Classification Criteria Version 2. Collection method: clinical testing. Allele origin: germline. Affected: yes. Observed: 1 variant allele.
Comment: MAP7D3: BP4, BS2